The following is an entry in ClinVar:

NM_000258.3(MYL3):c.280C>A (p.Arg94Ser)

Gene: MYL3 (myosin light chain 3; minus strand). Cytogenetic location: 3p21.31.
Variant type: single nucleotide variant.
Coding change: c.280C>A on transcript NM_000258.3 (MANE Select); coding-DNA position 280, C replaced by A.
Protein change: p.Arg94Ser; replaces arginine 94 with serine.
Molecular consequence: missense variant.
Genome position (GRCh38, 1-based): chr3:46,860,703, G>T on the plus strand (C>A on the coding strand, the complement: MYL3 is on the minus strand). VCF-style: chr3-46860703-G-T. GRCh37 (hg19) VCF-style: chr3-46902193-G-T.
Other names: short protein forms R94S.
Identifiers: ClinVar variation 409236 (VCV000409236.5), dbSNP rs730880961, ClinGen allele CA16611401.

ClinVar aggregate classification (germline): Uncertain significance (1 of 4 stars; one submission).

Conditions:
Hypertrophic cardiomyopathy. Also called: HYPERTROPHIC MYOCARDIOPATHY. Identifiers: Orphanet 217569, MedGen C0007194, MeSH D002312, MONDO:0005045, HP:0001639.

Submission:

Labcorp Genetics (formerly Invitae), Labcorp
Classification: Uncertain significance for Hypertrophic cardiomyopathy. Last evaluated: 2025-02-19. Review status: criteria provided, single submitter. Criteria: Invitae Variant Classification Sherloc (09022015). Collection method: clinical testing. Allele origin: germline.
Comment: This sequence change replaces arginine, which is basic and polar, with serine, which is neutral and polar, at codon 94 of the MYL3 protein (p.Arg94Ser). This variant is not present in population databases (gnomAD no frequency). This variant has not been reported in the literature in individuals affected with MYL3-related conditions. ClinVar contains an entry for this variant (Variation ID: 409236). An algorithm developed to predict the effect of missense changes on protein structure and function (PolyPhen-2) suggests that this variant is likely to be tolerated. This variant disrupts the p.Arg94 amino acid residue in MYL3. Other variant(s) that disrupt this residue have been determined to be pathogenic (PMID: 18409188, 26443374). This suggests that this residue is clinically significant, and that variants that disrupt this residue are likely to be disease-causing. In summary, the available evidence is currently insufficient to determine the role of this variant in disease. Therefore, it has been classified as a Variant of Uncertain Significance.

Literature cited by the submitters: PubMed 18409188; PubMed 26443374.